The following is an entry in ClinVar:

ClinVar aggregate classification (germline): Uncertain significance (1 of 4 stars; one submission).

Conditions:
ABCB4-related disorder. Also called: ABCB4-related disorders; ABCB4-related condition.

gnomAD v4.1: 2 of 1,613,966 alleles (0.00012%); highest among the groups gnomAD compares: Middle Eastern, 0.016%; no homozygotes.

Submission:

PreventionGenetics, part of Exact Sciences
Classification: Uncertain significance for ABCB4-related condition. Last evaluated: 2024-10-13. Review status: criteria provided, single submitter. Criteria: ACMG Guidelines, 2015. Collection method: clinical testing. Allele origin: germline.
Comment: The ABCB4 c.3433G>T variant is predicted to result in the amino acid substitution p.Val1145Leu. To our knowledge, this variant has not been reported in the literature or in a large population database (gnomAD), indicating this variant is rare. At this time, the clinical significance of this variant is uncertain due to the absence of conclusive functional and genetic evidence.

NM_000443.4(ABCB4):c.3433G>T (p.Val1145Leu)

Gene: ABCB4 (ATP binding cassette subfamily B member 4; minus strand). Cytogenetic location: 7q21.12.
Variant type: single nucleotide variant.
Coding change: c.3433G>T on transcript NM_000443.4 (MANE Select); coding-DNA position 3433, G replaced by T.
Protein change: p.Val1145Leu; replaces valine 1145 with leucine.
Molecular consequence: missense variant.
Genome position (GRCh38, 1-based): chr7:87,406,341, C>A on the plus strand (G>T on the coding strand, the complement: ABCB4 is on the minus strand). VCF-style: chr7-87406341-C-A. GRCh37 (hg19) VCF-style: chr7-87035657-C-A.
Other names: c.3454G>T, p.Val1152Leu (NM_018849.3); c.3292G>T, p.Val1098Leu (NM_018850.3); short protein forms V1152L, V1098L, V1145L.
Identifiers: ClinVar variation 5001324 (VCV005001324.1).